The following is an entry in ClinVar:

ClinVar aggregate classification (germline): Likely benign. Review status: criteria provided, multiple submitters, no conflicts (2 of 4 stars). 2 submissions from 2 submitters: Likely benign (2). Last evaluated 2022-11-08.

Allele frequency attached by ClinVar (database versions not stated): TOPMed 0.00001.
gnomAD v4.1: 5 of 1,550,554 alleles (0.00032%); highest among the groups gnomAD compares: Non-Finnish European, 0.00044%; no homozygotes.

Submissions (2):

Labcorp Genetics (formerly Invitae), Labcorp
Classification: Likely benign. Last evaluated: 2022-11-08. Review status: criteria provided, single submitter. Criteria: Invitae Variant Classification Sherloc (09022015). Collection method: clinical testing. Allele origin: germline.

Laboratory for Molecular Medicine, Mass General Brigham Personalized Medicine
Classification: Likely benign. Last evaluated: 2016-02-25. Review status: criteria provided, single submitter. Criteria: LMM Criteria. Collection method: clinical testing. Allele origin: germline. Observed: 1 variant allele.
Comment: p.Leu354Leu in exon 9 of OTOG: This variant is not expected to have clinical sig nificance because it does not alter an amino acid residue and is not located wit hin the splice consensus sequence.

NM_001292063.2(OTOG):c.1024C>T (p.Leu342=)

Gene: OTOG (otogelin; plus strand). Cytogenetic location: 11p15.1.
Variant type: single nucleotide variant.
Coding change: c.1024C>T on transcript NM_001292063.2 (MANE Select); coding-DNA position 1024, C replaced by T.
Protein change: p.Leu342=; no amino-acid change (leucine 342 retained).
Molecular consequence: synonymous variant.
Genome position (GRCh38, 1-based): chr11:17,558,565, C>T. VCF-style: chr11-17558565-C-T. GRCh37 (hg19) VCF-style: chr11-17580112-C-T.
Other names: c.1060C>T, p.Leu354= (NM_001277269.2).
Identifiers: ClinVar variation 227760 (VCV000227760.8), dbSNP rs876657550, ClinGen allele CA10576855.